The following is an entry in ClinVar:

NM_001042413.2(GLIS3):c.1310C>T (p.Pro437Leu)

Gene: GLIS3 (GLIS family zinc finger 3; minus strand). Cytogenetic location: 9p24.2.
Variant type: single nucleotide variant.
Coding change: c.1310C>T on transcript NM_001042413.2 (MANE Select); coding-DNA position 1310, C replaced by T.
Protein change: p.Pro437Leu; replaces proline 437 with leucine.
Molecular consequence: missense variant.
Genome position (GRCh38, 1-based): chr9:4,118,168, G>A on the plus strand (C>T on the coding strand, the complement: GLIS3 is on the minus strand). VCF-style: chr9-4118168-G-A. GRCh37 (hg19) VCF-style: chr9-4118168-G-A.
Other names: c.845C>T (NM_152629.3); c.845C>T, p.Pro282Leu (NM_152629.4); short protein forms P282L, P437L.
Identifiers: ClinVar variation 913285 (VCV000913285.12), dbSNP rs745511715, ClinGen allele CA4968241.

ClinVar aggregate classification (germline): Conflicting classifications of pathogenicity. Review status: criteria provided, conflicting classifications (1 of 4 stars). 6 submissions from 6 submitters: Uncertain significance (4); Likely benign (2). Last evaluated 2026-01-13.

Conditions:
Neonatal diabetes mellitus with congenital hypothyroidism. Also called: NDH SYNDROME. Identifiers: Orphanet 79118, MedGen C1857775, MONDO:0012436, OMIM 610199.
Inborn genetic diseases. Identifiers: MedGen C0950123, MeSH D030342.
GLIS3-related disorder. Also called: GLIS3-related condition.

Allele frequency attached by ClinVar (database versions not stated): gnomAD 0.00004 and 0.00005; gnomAD exomes 0.00006 and 0.00013; TOPMed 0.00008; ExAC 0.00015.
gnomAD v4.1: 100 of 1,566,664 alleles (0.0064%); highest among the groups gnomAD compares: South Asian, 0.0024%; no homozygotes.

Submissions (6):

PreventionGenetics, part of Exact Sciences
Classification: Likely benign for GLIS3-related condition. Last evaluated: 2026-01-13. Review status: criteria provided, single submitter. Criteria: ACMG Guidelines, 2015. Collection method: clinical testing. Allele origin: germline.
Comment: This variant is classified as likely benign based on ACMG/AMP sequence variant interpretation guidelines (Richards et al. 2015 PMID: 25741868, with internal and published modifications).

Labcorp Genetics (formerly Invitae), Labcorp
Classification: Likely benign. Last evaluated: 2025-11-16. Review status: criteria provided, single submitter. Criteria: Invitae Variant Classification Sherloc (09022015). Collection method: clinical testing. Allele origin: germline.

Ambry Genetics
Classification: Uncertain significance for Inborn genetic diseases. Last evaluated: 2023-02-14. Review status: criteria provided, single submitter. Criteria: Ambry Variant Classification Scheme 2023. Collection method: clinical testing. Allele origin: germline.

Fulgent Genetics
Classification: Uncertain significance for Neonatal diabetes mellitus with congenital hypothyroidism. Last evaluated: 2022-02-03. Review status: criteria provided, single submitter. Criteria: ACMG Guidelines, 2015. Collection method: clinical testing. Allele origin: unknown.

Illumina Laboratory Services, Illumina
Classification: Uncertain significance for Neonatal diabetes mellitus with congenital hypothyroidism. Last evaluated: 2018-01-12. Review status: criteria provided, single submitter. Criteria: ICSL Variant Classification Criteria 13 December 2019. Collection method: clinical testing. Allele origin: germline.

Breakthrough Genomics
Classification: Uncertain significance. Review status: criteria provided, single submitter. Criteria: ACMG Guidelines, 2015. Collection method: not provided. Allele origin: germline. Inheritance: Autosomal recessive inheritance. Affected: yes.